The following is an entry in ClinVar:

NM_000238.4(KCNH2):c.3007G>T (p.Asp1003Tyr)

Gene: KCNH2 (potassium voltage-gated channel subfamily H member 2; minus strand). Cytogenetic location: 7q36.1.
Variant type: single nucleotide variant.
Coding change: c.3007G>T on transcript NM_000238.4 (MANE Select); coding-DNA position 3007, G replaced by T.
Protein change: p.Asp1003Tyr; replaces aspartic acid 1003 with tyrosine.
Molecular consequence: missense variant. On other transcripts: non-coding transcript variant (2).
Genome position (GRCh38, 1-based): chr7:150,947,473, C>A on the plus strand (G>T on the coding strand, the complement: KCNH2 is on the minus strand). VCF-style: chr7-150947473-C-A. GRCh37 (hg19) VCF-style: chr7-150644561-C-A.
Other names: p.D1003Y:GAC>TAC; c.2719G>T, p.Asp907Tyr (NM_001406753.1); c.1987G>T, p.Asp663Tyr (NM_172057.3); short protein forms D1003Y, D663Y, D907Y.
Identifiers: ClinVar variation 200516 (VCV000200516.5), dbSNP rs794728402, ClinGen allele CA007791.

ClinVar aggregate classification (germline): Conflicting classifications of pathogenicity. Review status: criteria provided, conflicting classifications (1 of 4 stars). 2 submissions from 2 submitters: Likely pathogenic (1); Uncertain significance (1). Last evaluated 2023-07-31.

Conditions:
Cardiac arrhythmia. Also called: Arrhythmia; Cardiac rhythm disease. Identifiers: MedGen C0003811, MONDO:0007263, HP:0011675.

gnomAD v4.1: 1 of 1,577,236 alleles (0.000063%); highest among the groups gnomAD compares: East Asian, 0.0023%; no homozygotes.

Submissions (2):

Color Diagnostics, LLC DBA Color Health
Classification: Uncertain significance for Cardiac arrhythmia. Last evaluated: 2023-07-31. Review status: criteria provided, single submitter. Criteria: ACMG Guidelines, 2015. Collection method: clinical testing. Allele origin: germline.
Comment: This missense variant replaces aspartic acid with tyrosine at codon 1003 of the KCNH2 protein. Computational prediction suggests that this variant may have a deleterious impact on protein structure and function (internally defined REVEL score threshold >= 0.7, PMID: 27666373). To our knowledge, functional studies have not been reported for this variant. This variant has not been reported in individuals affected with KCNH2-related disorders in the literature. This variant has been identified in 1/186764 chromosomes in the general population by the Genome Aggregation Database (gnomAD). The available evidence is insufficient to determine the role of this variant in disease conclusively. Therefore, this variant is classified as a Variant of Uncertain Significance.

GeneDx
Classification: Likely pathogenic. Last evaluated: 2014-07-16. Review status: criteria provided, single submitter. Criteria: GeneDx Variant Classification (06012015). Collection method: clinical testing. Allele origin: germline. Affected: yes.
Comment: p.Asp1003Tyr (GAC>TAC): c.3007 G>T in exon 13 of the KCNH2 gene (NM_000238.2). The D1003Y variant that is likely pathogenic was identified in the KCNH2 gene. The D1003Y variant in the KCNH2 gene has not been reported as a disease-causing mutation or as a benign polymorphism to our knowledge. The D1003Y variant is a non-conservative amino acid substitution as these residues differ in polarity, charge, size and/or other properties and is more likely to impact secondary structure. The D1003Y residue is class conserved across species. In silico analysis predicts D1003Y is damaging to the protein structure/function. Mutations in nearby residues (N996I, R1005Q, R1007H) have been reported in association with LQTS, further supporting the functional importance of this region of the protein. Furthermore, the D1003Y variant was not observed in approximately 6,500 individuals of European and African American ancestry in the NHLBI Exome Sequencing Project, indicating it is not a common benign variant in these populations. Therefore, this variant is a strong candidate for a pathogenic mutation, however the possibility that it is a benign variant cannot be excluded. The variant is found in LQT panel(s).